The following is an entry in ClinVar:

NM_024675.4(PALB2):c.2224T>C (p.Ser742Pro)

Gene: PALB2 (partner and localizer of BRCA2; minus strand). Cytogenetic location: 16p12.2.
Variant type: single nucleotide variant.
Coding change: c.2224T>C on transcript NM_024675.4 (MANE Select); coding-DNA position 2224, T replaced by C.
Protein change: p.Ser742Pro; replaces serine 742 with proline.
Molecular consequence: missense variant.
Genome position (GRCh38, 1-based): chr16:23,629,930, A>G on the plus strand (T>C on the coding strand, the complement: PALB2 is on the minus strand). VCF-style: chr16-23629930-A-G. GRCh37 (hg19) VCF-style: chr16-23641251-A-G.
Other names: c.2164T>C, p.Ser722Pro (NM_001407296.1); c.2224T>C, p.Ser742Pro (NM_001407297.1, NM_001407298.1, NM_001407299.1 and 3 more transcripts); c.1339T>C, p.Ser447Pro (NM_001407304.1, NM_001407305.1, NM_001407306.1 and 5 more transcripts); c.436T>C, p.Ser146Pro (NM_001407312.1, NM_001407313.1); short protein forms S447P, S722P, S146P, S742P.
Identifiers: ClinVar variation 1914924 (VCV001914924.4), dbSNP rs752682542, ClinGen allele CA395125545.

ClinVar aggregate classification (germline): Uncertain significance (1 of 4 stars; one submission).

Conditions:
Familial cancer of breast. Also called: BREAST CANCER, FAMILIAL; hereditary breast carcinoma; Hereditary breast cancer. Identifiers: Orphanet 227535, MedGen C0346153, MONDO:0016419, OMIM 114480. Disease mechanism: loss of function.

Submission:

Labcorp Genetics (formerly Invitae), Labcorp
Classification: Uncertain significance for Familial cancer of breast. Last evaluated: 2025-08-09. Review status: criteria provided, single submitter. Criteria: Invitae Variant Classification Sherloc (09022015). Collection method: clinical testing. Allele origin: germline.
Comment: This sequence change replaces serine, which is neutral and polar, with proline, which is neutral and non-polar, at codon 742 of the PALB2 protein (p.Ser742Pro). This variant is not present in population databases (gnomAD no frequency). This variant has not been reported in the literature in individuals affected with PALB2-related conditions. ClinVar contains an entry for this variant (Variation ID: 1914924). Invitae Evidence Modeling of protein sequence and biophysical properties (such as structural, functional, and spatial information, amino acid conservation, physicochemical variation, residue mobility, and thermodynamic stability) indicates that this missense variant is not expected to disrupt PALB2 protein function with a negative predictive value of 80%. In summary, the available evidence is currently insufficient to determine the role of this variant in disease. Therefore, it has been classified as a Variant of Uncertain Significance.